The following is an entry in ClinVar:

NM_001457.4(FLNB):c.6508A>G (p.Lys2170Glu)

Gene: FLNB (filamin B; plus strand). Cytogenetic location: 3p14.3.
Variant type: single nucleotide variant.
Coding change: c.6508A>G on transcript NM_001457.4 (MANE Select); coding-DNA position 6508, A replaced by G.
Protein change: p.Lys2170Glu; replaces lysine 2170 with glutamic acid.
Molecular consequence: missense variant.
Genome position (GRCh38, 1-based): chr3:58,153,515, A>G. VCF-style: chr3-58153515-A-G. GRCh37 (hg19) VCF-style: chr3-58139242-A-G.
Other names: c.6601A>G, p.Lys2201Glu (NM_001164317.2); c.6475A>G, p.Lys2159Glu (NM_001164318.2); c.6436A>G, p.Lys2146Glu (NM_001164319.2); short protein forms K2146E, K2159E, K2170E, K2201E.
Identifiers: ClinVar variation 1309480 (VCV001309480.2), dbSNP rs900284459, ClinGen allele CA75475989.

ClinVar aggregate classification (germline): Uncertain significance (1 of 4 stars; one submission).

Allele frequency attached by ClinVar (database versions not stated): TOPMed below 0.00001; gnomAD 0.00001.
gnomAD v4.1: 1 of 1,614,074 alleles (0.000062%); highest among the groups gnomAD compares: Admixed American, 0.0017%; no homozygotes.

Submission:

GeneDx
Classification: Uncertain significance. Last evaluated: 2019-10-22. Review status: criteria provided, single submitter. Criteria: GeneDx Variant Classification Process June 2021. Collection method: clinical testing. Allele origin: germline. Affected: yes.
Comment: In silico analysis, which includes protein predictors and evolutionary conservation, supports a deleterious effect; Has not been previously published as pathogenic or benign to our knowledge